The following is an entry in ClinVar:

ClinVar aggregate classification (germline): Uncertain significance. Review status: criteria provided, multiple submitters, no conflicts (2 of 4 stars). 2 submissions from 2 submitters: Uncertain significance (2). Last evaluated 2025-01-02.

Conditions:
Inborn genetic diseases. Identifiers: MedGen C0950123, MeSH D030342.

gnomAD v4.1: 12 of 1,609,344 alleles (0.00075%); highest among the groups gnomAD compares: African/African-American, 0.013%; no homozygotes.

Submissions (2):

Ambry Genetics
Classification: Uncertain significance for Inborn genetic diseases. Last evaluated: 2025-01-02. Review status: criteria provided, single submitter. Criteria: Ambry Variant Classification Scheme 2023. Collection method: clinical testing. Allele origin: germline.

GeneDx
Classification: Uncertain significance. Last evaluated: 2023-10-25. Review status: criteria provided, single submitter. Criteria: GeneDx Variant Classification Process June 2021. Collection method: clinical testing. Allele origin: germline. Affected: yes.
Comment: In silico analysis supports that this missense variant has a deleterious effect on protein structure/function; Has not been previously published as pathogenic or benign to our knowledge

NM_032656.4(DHX37):c.2570T>C (p.Val857Ala)

Gene: DHX37 (DEAH-box helicase 37; minus strand). Cytogenetic location: 12q24.31.
Variant type: single nucleotide variant.
Coding change: c.2570T>C on transcript NM_032656.4 (MANE Select); coding-DNA position 2570, T replaced by C.
Protein change: p.Val857Ala; replaces valine 857 with alanine.
Molecular consequence: missense variant.
Genome position (GRCh38, 1-based): chr12:124,954,095, A>G on the plus strand (T>C on the coding strand, the complement: DHX37 is on the minus strand). VCF-style: chr12-124954095-A-G. GRCh37 (hg19) VCF-style: chr12-125438641-A-G.
Other names: short protein forms V857A.
Identifiers: ClinVar variation 3363220 (VCV003363220.2).
Genomic context (GRCh38, chr12:124,954,095, plus strand): 5'-ATCCCAGACCTGGGTGACCCTCCCGCCACCCTCCAACGGGCAGGGCACAAACCCAGCAGC[A>G]CCATGAGGTCGCCGAGCTTCAGAGAAGCCCCCTGCCCTGCCCAGGTCCTCTTCATCTGGG-3'
Protein context (NP_116045.2, residues 847-867): GASLKLGDLM[Val857Ala]LLGAVGACEY